The following is an entry in ClinVar:

NM_032043.3(BRIP1):c.3071G>T (p.Gly1024Val)

Gene: BRIP1 (BRCA1 interacting DNA helicase 1; minus strand). Cytogenetic location: 17q23.2.
Variant type: single nucleotide variant.
Coding change: c.3071G>T on transcript NM_032043.3 (MANE Select); coding-DNA position 3071, G replaced by T.
Protein change: p.Gly1024Val; replaces glycine 1024 with valine.
Molecular consequence: missense variant.
Genome position (GRCh38, 1-based): chr17:61,683,975, C>A on the plus strand (G>T on the coding strand, the complement: BRIP1 is on the minus strand). VCF-style: chr17-61683975-C-A. GRCh37 (hg19) VCF-style: chr17-59761336-C-A.
Other names: short protein forms G1024V.
Identifiers: ClinVar variation 141435 (VCV000141435.19), dbSNP rs587781744, ClinGen allele CA165398.
Genomic context (GRCh38, chr17:61,683,975, plus strand): 5'-TTACTTTCCATCTTCTCTGTTTTGAAACGGGGAGGACTAGAGGCACTATTCTCTGATGAC[C>A]CGAGCTCAGGTGTTGCCTTCGGTATTTTACCAGTAAAATACTGTCCCAAAGAATTAAAGC-3'
Protein context (NP_114432.2, residues 1014-1034): GKIPKATPEL[Gly1024Val]SSENSASSPP

ClinVar aggregate classification (germline): Uncertain significance. Review status: criteria provided, multiple submitters, no conflicts (2 of 4 stars). 4 submissions from 4 submitters: Uncertain significance (4). Last evaluated 2025-08-30.

Conditions:
Hereditary cancer-predisposing syndrome. Also called: Neoplastic Syndromes, Hereditary; Hereditary Cancer Syndrome; Hereditary neoplastic syndrome; Tumor predisposition. Identifiers: Orphanet 140162, MedGen C0027672, MeSH D009386, MONDO:0015356.
Familial cancer of breast. Also called: Hereditary breast cancer; hereditary breast carcinoma; BREAST CANCER, FAMILIAL. Identifiers: Orphanet 227535, MedGen C0346153, MONDO:0016419, OMIM 114480. Disease mechanism: loss of function.
Fanconi anemia complementation group J. Also called: BRIP1-Related Fanconi Anemia. Identifiers: Orphanet 84, MedGen C1836860, MONDO:0012187, OMIM 609054.

Allele frequency attached by ClinVar (database versions not stated): gnomAD 0.00001; TOPMed 0.00001.
gnomAD v4.1: 2 of 1,613,990 alleles (0.00012%); highest among the groups gnomAD compares: Non-Finnish European, 0.00017%; no homozygotes.

Submissions (4):

Ambry Genetics
Classification: Uncertain significance for Hereditary cancer-predisposing syndrome. Last evaluated: 2025-08-30. Review status: criteria provided, single submitter. Criteria: Ambry Variant Classification Scheme 2023. Collection method: clinical testing. Allele origin: germline.
Comment: The p.G1024V variant (also known as c.3071G>T), located in coding exon 19 of the BRIP1 gene, results from a G to T substitution at nucleotide position 3071. The glycine at codon 1024 is replaced by valine, an amino acid with dissimilar properties. This amino acid position is poorly conserved in available vertebrate species. In addition, this alteration is predicted to be tolerated by in silico analysis. Since supporting evidence is limited at this time, the clinical significance of this alteration remains unclear.

Labcorp Genetics (formerly Invitae), Labcorp
Classification: Uncertain significance for Familial cancer of breast; Fanconi anemia complementation group J. Last evaluated: 2024-06-12. Review status: criteria provided, single submitter. Criteria: Invitae Variant Classification Sherloc (09022015). Collection method: clinical testing. Allele origin: germline.
Comment: This sequence change replaces glycine, which is neutral and non-polar, with valine, which is neutral and non-polar, at codon 1024 of the BRIP1 protein (p.Gly1024Val). This variant is present in population databases (rs587781744, gnomAD 0.007%). This variant has not been reported in the literature in individuals affected with BRIP1-related conditions. ClinVar contains an entry for this variant (Variation ID: 141435). An algorithm developed to predict the effect of missense changes on protein structure and function (PolyPhen-2) suggests that this variant¬¨‚Ä†is likely to be tolerated. In summary, the available evidence is currently insufficient to determine the role of this variant in disease. Therefore, it has been classified as a Variant of Uncertain Significance.

GeneDx
Classification: Uncertain significance. Last evaluated: 2021-04-15. Review status: criteria provided, single submitter. Criteria: GeneDx Variant Classification Process June 2021. Collection method: clinical testing. Allele origin: germline. Affected: yes.
Comment: Not observed in large population cohorts (Lek et al., 2016); In silico analysis supports that this missense variant does not alter protein structure/function; Has not been previously published as pathogenic or benign to our knowledge

Color Diagnostics, LLC DBA Color Health
Classification: Uncertain significance for Hereditary cancer-predisposing syndrome. Last evaluated: 2019-01-18. Review status: criteria provided, single submitter. Criteria: ACMG Guidelines, 2015. Collection method: clinical testing. Allele origin: germline.